The following is an entry in ClinVar:

NM_001256789.3(CACNA1F):c.5893G>A (p.Ala1965Thr)

Gene: CACNA1F (calcium voltage-gated channel subunit alpha1 F; minus strand). Cytogenetic location: Xp11.23.
Variant type: single nucleotide variant.
Coding change: c.5893G>A on transcript NM_001256789.3 (MANE Select); coding-DNA position 5893, G replaced by A.
Protein change: p.Ala1965Thr; replaces alanine 1965 with threonine.
Molecular consequence: missense variant.
Genome position (GRCh38, 1-based): chrX:49,205,145, C>T on the plus strand (G>A on the coding strand, the complement: CACNA1F is on the minus strand). VCF-style: chrX-49205145-C-T. GRCh37 (hg19) VCF-style: chrX-49061605-C-T.
Other names: c.5731G>A, p.Ala1911Thr (NM_001256790.3); c.5926G>A, p.Ala1976Thr (NM_005183.4); short protein forms A1965T, A1976T, A1911T.
Identifiers: ClinVar variation 2090194 (VCV002090194.4), dbSNP rs1394214739, ClinGen allele CA412955683.

ClinVar aggregate classification (germline): Uncertain significance (1 of 4 stars; one submission).

Allele frequency attached by ClinVar (database versions not stated): gnomAD exomes below 0.00001; TOPMed below 0.00001; gnomAD 0.00001.
gnomAD v4.1: 4 of 1,201,609 alleles (0.00033%); highest among the groups gnomAD compares: Non-Finnish European, 0.00045%; no homozygotes.

Submission:

Labcorp Genetics (formerly Invitae), Labcorp
Classification: Uncertain significance. Last evaluated: 2024-10-25. Review status: criteria provided, single submitter. Criteria: Invitae Variant Classification Sherloc (09022015). Collection method: clinical testing. Allele origin: germline.
Comment: This sequence change replaces alanine, which is neutral and non-polar, with threonine, which is neutral and polar, at codon 1976 of the CACNA1F protein (p.Ala1976Thr). The frequency data for this variant in the population databases is considered unreliable, as metrics indicate poor data quality at this position in the gnomAD database. This variant has not been reported in the literature in individuals affected with CACNA1F-related conditions. ClinVar contains an entry for this variant (Variation ID: 2090194). An algorithm developed to predict the effect of missense changes on protein structure and function (PolyPhen-2) suggests that this variant is likely to be tolerated. In summary, the available evidence is currently insufficient to determine the role of this variant in disease. Therefore, it has been classified as a Variant of Uncertain Significance.